The following is an entry in ClinVar:

ClinVar aggregate classification (germline): Uncertain significance (1 of 4 stars; one submission).

Conditions:
DICER1-related tumor predisposition. Also called: DICER1-related pleuropulmonary blastoma cancer predisposition syndrome; DICER1 syndrome. Identifiers: Orphanet 284343, MedGen C3839822, MONDO:0100216.

Submission:

Labcorp Genetics (formerly Invitae), Labcorp
Classification: Uncertain significance for DICER1-related tumor predisposition. Last evaluated: 2024-05-27. Review status: criteria provided, single submitter. Criteria: Invitae Variant Classification Sherloc (09022015). Collection method: clinical testing. Allele origin: germline.
Comment: This sequence change replaces serine, which is neutral and polar, with cysteine, which is neutral and slightly polar, at codon 82 of the DICER1 protein (p.Ser82Cys). This variant is not present in population databases (gnomAD no frequency). This variant has not been reported in the literature in individuals affected with DICER1-related conditions. Advanced modeling of protein sequence and biophysical properties (such as structural, functional, and spatial information, amino acid conservation, physicochemical variation, residue mobility, and thermodynamic stability) performed at Invitae indicates that this missense variant is not expected to disrupt DICER1 protein function with a negative predictive value of 80%. In summary, the available evidence is currently insufficient to determine the role of this variant in disease. Therefore, it has been classified as a Variant of Uncertain Significance.

NM_177438.3(DICER1):c.245C>G (p.Ser82Cys)

Gene: DICER1 (dicer 1, ribonuclease III; minus strand). Cytogenetic location: 14q32.13.
Variant type: single nucleotide variant.
Coding change: c.245C>G on transcript NM_177438.3 (MANE Select); coding-DNA position 245, C replaced by G.
Protein change: p.Ser82Cys; replaces serine 82 with cysteine.
Molecular consequence: missense variant. On other transcripts: 5 prime UTR variant (9), non-coding transcript variant (6).
Genome position (GRCh38, 1-based): chr14:95,132,577, G>C on the plus strand (C>G on the coding strand, the complement: DICER1 is on the minus strand). VCF-style: chr14-95132577-G-C. GRCh37 (hg19) VCF-style: chr14-95598914-G-C.
Other names: c.245C>G, p.Ser82Cys (NM_001195573.1, NM_001271282.3, NM_001291628.2 and 14 more transcripts); c.-30C>G (NM_001395686.1, NM_001395687.1, NM_001395688.1 and 4 more transcripts); c.-214C>G (NM_001395691.1); c.-1324C>G (NM_001395697.1); short protein forms S82C.
Identifiers: ClinVar variation 3688922 (VCV003688922.2).